The following continues an entry in ClinVar:

NM_007194.4(CHEK2):c.793-1G>A

Gene: CHEK2. ClinVar aggregate classification (germline): Pathogenic/Likely pathogenic. Pathogenic (12); Likely pathogenic (6).

Submissions 9 to 19 of 19:

CeGaT Center for Human Genetics Tuebingen
Classification: Pathogenic. Last evaluated: 2024-12-01. Review status: criteria provided, single submitter. Criteria: CeGaT Center For Human Genetics Tuebingen Variant Classification Criteria Version 2. Collection method: clinical testing. Allele origin: germline. Affected: yes. Observed: 1 variant allele.
Comment: CHEK2: PVS1, PM2, PS4:Moderate

Department of Pathology and Laboratory Medicine, Sinai Health System
Classification: Pathogenic for Familial prostate cancer; Bone osteosarcoma; CHEK2-related cancer predisposition. Last evaluated: 2024-08-07. Review status: criteria provided, single submitter. Criteria: ACMG Guidelines, 2015. Collection method: clinical testing. Allele origin: germline.

GeneDx
Classification: Likely pathogenic. Last evaluated: 2023-12-14. Review status: criteria provided, single submitter. Criteria: GeneDx Variant Classification Process June 2021. Collection method: clinical testing. Allele origin: germline. Affected: yes.
Comment: Canonical splice site variant demonstrated to result in aberrant splicing, leading to protein truncation or nonsense mediated decay in a gene for which loss-of-function is a known mechanism of disease (PMID: 31349801); Not observed at significant frequency in large population cohorts (gnomAD); Observed in individuals with breast, prostate, and other cancers (PMID: 27751358, 26556299, 28888541, 29520813, 31349801, 32957588, 35734982); This variant is associated with the following publications: (PMID: 31589614, 32805687, 27751358, 26681312, 26556299, 24713400, 21876083, 25980754, 29520813, 31447099, 22419737, 19782031, 36425062, 35261632, 27009842, 31970404, 28888541, 32957588, 36493725, 31349801, 35734982)

Baylor Genetics
Classification: Pathogenic for Familial cancer of breast. Last evaluated: 2023-10-15. Review status: criteria provided, single submitter. Criteria: ACMG Guidelines, 2015. Collection method: clinical testing. Allele origin: unknown.

Ambry Genetics
Classification: Pathogenic for Hereditary cancer-predisposing syndrome. Last evaluated: 2023-03-27. Review status: criteria provided, single submitter. Criteria: Ambry Variant Classification Scheme 2023. Collection method: clinical testing. Allele origin: germline.
Comment: The c.793-1G>A intronic variant results from a G to A substitution one nucleotide upstream from coding exon 6 of the CHEK2 gene. One study identified this alteration in 1/703 patients with lethal prostate cancer and 0/1455 patients with localized prostate cancer (Wu Y et al. Prostate, 2018 Jun;78:607-615). This alteration has also been detected in multiple individuals undergoing multi-gene panel testing (Susswein LR et al. Genet. Med. 2016 Aug;18(8):823-32; Leedom TP et al. Cancer Genet. 2016 Sep;209:403-407). In silico splice site analysis predicts that this alteration will weaken the native splice acceptor site and will result in the creation or strengthening of a novel splice acceptor site. RNA studies have demonstrated this alteration results in abnormal splicing in the set of samples tested (Ambry internal data; Agiannitopoulos K et al. BMC Med. Genet., 2019 07;20:131). Alterations that disrupt the canonical splice site are expected to cause aberrant splicing, resulting in an abnormal protein or a transcript that is subject to nonsense-mediated mRNA decay. Based on the majority of available evidence to date, this alteration is interpreted as a disease-causing mutation.

Institute for Genomic Medicine (IGM) Clinical Laboratory, Nationwide Children's Hospital
Classification: Pathogenic for CHEK2-related cancer predisposition. Last evaluated: 2022-12-01. Review status: criteria provided, single submitter. Criteria: ACMG Guidelines, 2015. Collection method: clinical testing. Allele origin: germline.
Comment: This variant is predicted to result in loss of function through nonsense-mediated decay of the encoded transcript or premature truncation of the encoded protein in a gene in which loss of function is a known mechanism of disease (ACMG/AMP: PVS1; PMIDs:15492928, 21876083). Well-established functional studies have demonstrated this variant to have a damaging effect on protein function or splicing (ACMG/AMP: PS3_Supporting; PMID:31349801). This variant has been reported at an elevated frequency in affected individuals/in multiple affected individuals in the literature (ACMG/AMP: PS4; PMIDs:26556299, 26681312, 29520813, 31349801, 32957588, 35734982).

Quest Diagnostics Nichols Institute San Juan Capistrano
Classification: Pathogenic. Last evaluated: 2022-02-14. Review status: criteria provided, single submitter. Criteria: Quest Diagnostics criteria. Collection method: clinical testing. Allele origin: unknown.
Comment: This variant disrupts a canonical splice-acceptor site and interferes with normal CHEK2 mRNA splicing. The frequency of this variant in the general population, 0.00012 (4/34412 chromosomes), is consistent with pathogenicity. In the published literature, the variant has been reported in individuals with breast cancer (PMID: 26681312 (2015)), prostate cancer (PMID: 29520813 (2018)), and neuroblastoma (PMID: 27009842 (2016)), as well as an individual who underwent genetic testing for hereditary cancer risk (PMID: 31349801 (2019)). Based on the available information, this variant is classified as pathogenic.

Fulgent Genetics
Classification: Likely pathogenic for Familial cancer of breast; Colorectal cancer; Familial prostate cancer; Bone osteosarcoma; CHEK2-related cancer predisposition. Last evaluated: 2021-07-27. Review status: criteria provided, single submitter. Criteria: ACMG Guidelines, 2015. Collection method: clinical testing. Allele origin: unknown.

GeneKor MSA
Classification: Pathogenic for Hereditary cancer-predisposing syndrome. Last evaluated: 2019-03-14. Review status: criteria provided, single submitter. Criteria: ACMG Guidelines, 2015. Collection method: clinical testing. Allele origin: germline. Affected: no.
Comment: This sequence change occurs 1 base before exon 7 of the CHEK2 gene. This position is highly conserved in the human and other genomes and is crucial in mRNA processing. Donor and acceptor splice site variants typically lead to a loss of protein function (PMID: 16199547), and loss-of-function variants in CHEK2 are known to be pathogenic (PMID: 21876083; PMID: 24713400). This mutation has been reported in individuals who underwent genetic testing for the risk of hereditary cancer, including breast cancer (PMID: 27751358). Algorithms developed to predict the effect of sequence changes on RNA splicing suggest that this change disrupts the wild type acceptor site and activates an intronic cryptic splice acceptor 1 bp downstream, thus creating a frameshift. Experimental analysis in patient-derived leukocytes using RT-PCR of mRNA followed by cDNA sequencing showed that this variant affects splicing by creating an alternative splice site 1 bp downstream which results in a frameshift effect and the generation of a premature translation stop signal 10 amino acid residues later, and is predicted to result in a truncated protein. For these reasons, this variant has been classified as Pathogenic.

Human Genome Sequencing Center Clinical Lab, Baylor College of Medicine
Classification: Pathogenic for Familial cancer of breast. Last evaluated: 2017-06-02. Review status: criteria provided, single submitter. Criteria: ACMG Guidelines, 2015. Collection method: clinical testing. Allele origin: germline.
Comment: This c.793-1G>A variant in the CHEK2 gene has not been observed in our cohort database nor has been detected in the ExAC database. This variant was however reported in ClinVar but the clinical presentation of the patients was not available (SCV000210975.9, SCV000273338.2). This variant affect the invariant acceptor splice site of intron 6 of the CHEK2 gene. While not clinically validated, computer-based algorithms predict this c.793-1G>A change to affect splicing by creating an alternative splice site 1bp downstream and thus creating a frameshift. This variant is classified as pathogenic.

Counsyl
Classification: Likely pathogenic for Familial cancer of breast. Last evaluated: 2018-01-17. Review status: no assertion criteria provided. Collection method: clinical testing. Allele origin: unknown. Not counted in ClinVar's aggregate classification.

Literature cited by the submitters: PubMed 26681312 (cited by 7 submitters); PubMed 27751358 (cited by 5 submitters); PubMed 29520813 (cited by 7 submitters); PubMed 31349801 (cited by 8 submitters); PubMed 28888541 (cited by Women's Health and Genetics/Laboratory Corporation of America, LabCorp); PubMed 35734982 (cited by Women's Health and Genetics/Laboratory Corporation of America, LabCorp and Institute for Genomic Medicine (IGM) Clinical Laboratory, Nationwide Children's Hospital); PubMed 25085752 (cited by Myriad Genetics, Inc.); PubMed 26556299 (cited by 5 submitters); PubMed 36529819 (cited by Color Diagnostics, LLC DBA Color Health and Department of Pathology and Laboratory Medicine, Sinai Health System); PubMed 37725924 (cited by Color Diagnostics, LLC DBA Color Health and Department of Pathology and Laboratory Medicine, Sinai Health System); PubMed 38061684 (cited by Color Diagnostics, LLC DBA Color Health); PubMed 33471991 (cited by Department of Pathology and Laboratory Medicine, Sinai Health System); PubMed 32957588 (cited by 3 submitters); PubMed 15492928 (cited by Institute for Genomic Medicine (IGM) Clinical Laboratory, Nationwide Children's Hospital); PubMed 21876083 (cited by Institute for Genomic Medicine (IGM) Clinical Laboratory, Nationwide Children's Hospital); PubMed 27009842 (cited by Quest Diagnostics Nichols Institute San Juan Capistrano); PubMed 31447099 (cited by Quest Diagnostics Nichols Institute San Juan Capistrano); PubMed 31589614 (cited by Quest Diagnostics Nichols Institute San Juan Capistrano); PubMed 25980754 (cited by Counsyl).